The following is an entry in ClinVar:

ClinVar aggregate classification (germline): Uncertain significance. Review status: criteria provided, multiple submitters, no conflicts (2 of 4 stars). 2 submissions from 2 submitters: Uncertain significance (2). Last evaluated 2023-11-22.

Conditions:
Inborn genetic diseases. Identifiers: MedGen C0950123, MeSH D030342.

Allele frequency attached by ClinVar (database versions not stated): gnomAD 0.00002; gnomAD exomes 0.00002; TOPMed 0.00002; ExAC 0.00004; ESP Exome Variant Server 0.00009.

Submissions (2):

Ambry Genetics
Classification: Uncertain significance for Inborn genetic diseases. Last evaluated: 2023-11-22. Review status: criteria provided, single submitter. Criteria: Ambry Variant Classification Scheme 2023. Collection method: clinical testing. Allele origin: germline.

Greenwood Genetic Center Diagnostic Laboratories, Greenwood Genetic Center
Classification: Uncertain significance. Last evaluated: 2023-09-12. Review status: criteria provided, single submitter. Criteria: ACMG Guidelines, 2015. Collection method: clinical testing. Allele origin: germline. Affected: yes.
Comment: PM2

NM_201599.3(ZMYM3):c.1460C>T (p.Ala487Val)

Gene: ZMYM3 (zinc finger MYM-type containing 3; minus strand). Cytogenetic location: Xq13.1.
Variant type: single nucleotide variant.
Coding change: c.1460C>T on transcript NM_201599.3 (MANE Select); coding-DNA position 1460, C replaced by T.
Protein change: p.Ala487Val; replaces alanine 487 with valine.
Molecular consequence: missense variant.
Genome position (GRCh38, 1-based): chrX:71,249,471, G>A on the plus strand (C>T on the coding strand, the complement: ZMYM3 is on the minus strand). VCF-style: chrX-71249471-G-A. GRCh37 (hg19) VCF-style: chrX-70469321-G-A.
Other names: c.1460C>T, p.Ala487Val (NM_001171162.1, NM_001171163.1, NM_005096.3); short protein forms A487V.
Identifiers: ClinVar variation 2626935 (VCV002626935.2), dbSNP rs370506452, ClinGen allele CA10445784.
Genomic context (GRCh38, chrX:71,249,471, plus strand): 5'-AACCACACCCCCTTCCACAGCCCTCTAATGCACTACTCCCTCGGCCCCACCTTCTTGTAC[G>A]CCCCCAAGCAGGTTGTGTTGCAGAACCGCTTTTGTTGGCCCTCGTGGAAGAGGAGCTCAG-3'
Protein context (NP_963893.1, residues 477-497): KRFCNTTCLG[Ala487Val]YKKKNTRVYP